The following is an entry in ClinVar:

ClinVar aggregate classification (germline): Benign. Review status: criteria provided, multiple submitters, no conflicts (2 of 4 stars). 2 submissions from 2 submitters: Benign (2). Last evaluated 2018-06-18.

Allele frequency attached by ClinVar (database versions not stated): gnomAD 0.07059 and 0.07366; TOPMed 0.07555; 1000 Genomes Project 30x 0.11024; 1000 Genomes Project 0.11342.
gnomAD v4.1: 74,221 of 1,133,168 alleles (6.5%); highest among the groups gnomAD compares: East Asian, 18%; 3,125 homozygotes.

Submissions (2):

GeneDx
Classification: Benign. Last evaluated: 2018-06-18. Review status: criteria provided, single submitter. Criteria: GeneDx Variant Classification (06012015). Collection method: clinical testing. Allele origin: germline. Affected: yes.
Comment: This variant is considered likely benign or benign based on one or more of the following criteria: it is a conservative change, it occurs at a poorly conserved position in the protein, it is predicted to be benign by multiple in silico algorithms, and/or has population frequency not consistent with disease.

Breakthrough Genomics
Classification: Benign. Review status: criteria provided, single submitter. Criteria: ACMG Guidelines, 2015. Collection method: not provided. Allele origin: germline. Inheritance: Autosomal recessive inheritance. Affected: yes.

NM_024537.4(CARS2):c.1055-132G>A

Gene: CARS2 (cysteinyl-tRNA synthetase 2, mitochondrial; minus strand). Cytogenetic location: 13q34.
Variant type: single nucleotide variant.
Coding change: c.1055-132G>A on transcript NM_024537.4 (MANE Select); 132 bases into the intron before coding-DNA position 1055, G replaced by A.
Molecular consequence: intron variant.
Genome position (GRCh38, 1-based): chr13:110,647,371, C>T on the plus strand (G>A on the coding strand, the complement: CARS2 is on the minus strand). VCF-style: chr13-110647371-C-T. GRCh37 (hg19) VCF-style: chr13-111299718-C-T.
Other names: c.269-132G>A (NM_001352252.2).
Identifiers: ClinVar variation 676232 (VCV000676232.2), dbSNP rs2296661, ClinGen allele CA13868507.